The following is an entry in ClinVar:

ClinVar aggregate classification (germline): Uncertain significance (1 of 4 stars; one submission).

Allele frequency attached by ClinVar (database versions not stated): gnomAD 0.00001; TOPMed 0.00001; gnomAD exomes 0.00002; ExAC 0.00007; ESP Exome Variant Server 0.00008.

Submission:

Labcorp Genetics (formerly Invitae), Labcorp
Classification: Uncertain significance. Last evaluated: 2022-07-27. Review status: criteria provided, single submitter. Criteria: Invitae Variant Classification Sherloc (09022015). Collection method: clinical testing. Allele origin: germline.
Comment: This sequence change replaces arginine, which is basic and polar, with glutamine, which is neutral and polar, at codon 452 of the GPR179 protein (p.Arg452Gln). This variant is present in population databases (rs368189336, gnomAD 0.02%). This variant has not been reported in the literature in individuals affected with GPR179-related conditions. Algorithms developed to predict the effect of missense changes on protein structure and function (SIFT, PolyPhen-2, Align-GVGD) all suggest that this variant is likely to be disruptive. In summary, the available evidence is currently insufficient to determine the role of this variant in disease. Therefore, it has been classified as a Variant of Uncertain Significance.

NM_001004334.4(GPR179):c.1355G>A (p.Arg452Gln)

Gene: GPR179 (G protein-coupled receptor 179; minus strand). Cytogenetic location: 17q12.
Variant type: single nucleotide variant.
Coding change: c.1355G>A on transcript NM_001004334.4 (MANE Select); coding-DNA position 1355, G replaced by A.
Protein change: p.Arg452Gln; replaces arginine 452 with glutamine.
Molecular consequence: missense variant.
Genome position (GRCh38, 1-based): chr17:38,335,642, C>T on the plus strand (G>A on the coding strand, the complement: GPR179 is on the minus strand). VCF-style: chr17-38335642-C-T. GRCh37 (hg19) VCF-style: chr17-36491525-C-T.
Other names: short protein forms R452Q.
Identifiers: ClinVar variation 1915026 (VCV001915026.2), dbSNP rs368189336, ClinGen allele CA290108877.